The following is an entry in ClinVar:

NM_001289125.3(IFNAR2):c.591T>C (p.Ile197=)

Genes: IFNAR2 (interferon alpha and beta receptor subunit 2; plus strand), IFNAR2-IL10RB (IFNAR2-IL10RB readthrough; plus strand). Cytogenetic location: 21q22.11.
Variant type: single nucleotide variant.
Coding change: c.591T>C on transcript NM_001289125.3 (MANE Select); coding-DNA position 591, T replaced by C.
Protein change: p.Ile197=; no amino-acid change (isoleucine 197 retained).
Molecular consequence: synonymous variant.
Genome position (GRCh38, 1-based): chr21:33,252,712, T>C. VCF-style: chr21-33252712-T-C. GRCh37 (hg19) VCF-style: chr21-34625017-T-C.
Other names: c.591T>C, p.Ile197= (NM_000874.5, NM_001289126.2, NM_001289128.2 and 4 more transcripts); c.591T>C (NM_207585.2).
Identifiers: ClinVar variation 1123923 (VCV001123923.12), dbSNP rs143620417, ClinGen allele CA10005715.

ClinVar aggregate classification (germline): Likely benign. Review status: criteria provided, multiple submitters, no conflicts (2 of 4 stars). 3 submissions from 3 submitters: Likely benign (2). 1 of the submissions does not count toward it. Last evaluated 2025-11-25.

Conditions:
IFNAR2-related disorder. Also called: IFNAR2-related condition.

Allele frequency attached by ClinVar (database versions not stated): gnomAD exomes 0.00004 and 0.00011; ExAC 0.00016; gnomAD 0.00040 and 0.00043; ESP Exome Variant Server 0.00062; 1000 Genomes Project 0.00080; 1000 Genomes Project 30x 0.00094.
gnomAD v4.1: 125 of 1,613,918 alleles (0.0077%); highest among the groups gnomAD compares: African/African-American, 0.13%; no homozygotes.

Submissions (3):

Labcorp Genetics (formerly Invitae), Labcorp
Classification: Likely benign. Last evaluated: 2025-11-25. Review status: criteria provided, single submitter. Criteria: Invitae Variant Classification Sherloc (09022015). Collection method: clinical testing. Allele origin: germline.

Blueprint Genetics
Classification: Likely benign. Last evaluated: 2024-11-08. Review status: criteria provided, single submitter. Criteria: ACMG Guidelines, 2015. Collection method: clinical testing. Allele origin: germline.

PreventionGenetics, part of Exact Sciences
Classification: Likely benign for IFNAR2-related condition. Last evaluated: 2024-01-29. Review status: no assertion criteria provided. Collection method: clinical testing. Allele origin: germline. Not counted in ClinVar's aggregate classification.
Comment: This variant is classified as likely benign based on ACMG/AMP sequence variant interpretation guidelines (Richards et al. 2015 PMID: 25741868, with internal and published modifications).